The following is an entry in ClinVar:

NM_206933.4(USH2A):c.13018G>A (p.Gly4340Arg)

Gene: USH2A (usherin; minus strand). Cytogenetic location: 1q41.
Variant type: single nucleotide variant.
Coding change: c.13018G>A on transcript NM_206933.4 (MANE Select); coding-DNA position 13018, G replaced by A.
Protein change: p.Gly4340Arg; replaces glycine 4340 with arginine.
Molecular consequence: missense variant.
Genome position (GRCh38, 1-based): chr1:215,674,893, C>T on the plus strand (G>A on the coding strand, the complement: USH2A is on the minus strand). VCF-style: chr1-215674893-C-T. GRCh37 (hg19) VCF-style: chr1-215848235-C-T.
Other names: short protein forms G4340R.
Identifiers: ClinVar variation 2024824 (VCV002024824.4), dbSNP rs2102665930, ClinGen allele CA344847810.
Genomic context (GRCh38, chr1:215,674,893, plus strand): 5'-TGACTTCTGATGGAGCAGCCTCCAGAGTTGTGATGCTGGTGGGTTTGCTGGTGGAGCATC[C>T]TCCACTCGTGCAGGCTTGGAGTGCATAGCTATAGGTGGAAAAAGGAAGAAGCTCTTCATC-3'
Protein context (NP_996816.3, residues 4330-4350): SYALQACTSG[Gly4340Arg]CSTSKPTSIT

ClinVar aggregate classification (germline): Pathogenic (1 of 4 stars; one submission).

Submission:

Labcorp Genetics (formerly Invitae), Labcorp
Classification: Pathogenic. Last evaluated: 2024-02-24. Review status: criteria provided, single submitter. Criteria: Invitae Variant Classification Sherloc (09022015). Collection method: clinical testing. Allele origin: germline.
Comment: This sequence change replaces glycine, which is neutral and non-polar, with arginine, which is basic and polar, at codon 4340 of the USH2A protein (p.Gly4340Arg). This variant is not present in population databases (gnomAD no frequency). This missense change has been observed in individual(s) with USH2A-related conditions (PMID: 27460420, 30073356, 33749171). ClinVar contains an entry for this variant (Variation ID: 2024824). Advanced modeling of protein sequence and biophysical properties (such as structural, functional, and spatial information, amino acid conservation, physicochemical variation, residue mobility, and thermodynamic stability) performed at Invitae indicates that this missense variant is expected to disrupt USH2A protein function with a positive predictive value of 95%. For these reasons, this variant has been classified as Pathogenic.

Literature cited by the submitters: PubMed 27460420; PubMed 30073356; PubMed 33749171.